The following is an entry in ClinVar:

ClinVar aggregate classification (germline): Uncertain significance. Review status: criteria provided, multiple submitters, no conflicts (2 of 4 stars). 2 submissions from 2 submitters: Uncertain significance (2). Last evaluated 2024-01-24.

Conditions:
Inborn genetic diseases. Identifiers: MedGen C0950123, MeSH D030342.

Submissions (2):

Ambry Genetics
Classification: Uncertain significance for Inborn genetic diseases. Last evaluated: 2024-01-24. Review status: criteria provided, single submitter. Criteria: Ambry Variant Classification Scheme 2023. Collection method: clinical testing. Allele origin: germline.

Labcorp Genetics (formerly Invitae), Labcorp
Classification: Uncertain significance. Last evaluated: 2021-06-17. Review status: criteria provided, single submitter. Criteria: Invitae Variant Classification Sherloc (09022015). Collection method: clinical testing. Allele origin: germline.
Comment: In summary, the available evidence is currently insufficient to determine the role of this variant in disease. Therefore, it has been classified as a Variant of Uncertain Significance. Algorithms developed to predict the effect of missense changes on protein structure and function are either unavailable or do not agree on the potential impact of this missense change (SIFT: "Not Available"; PolyPhen-2: "Probably Damaging"; Align-GVGD: "Not Available"). This variant has not been reported in the literature in individuals with UNC80-related conditions. This variant is not present in population databases (ExAC no frequency). This sequence change replaces serine with arginine at codon 2953 of the UNC80 protein (p.Ser2953Arg). The serine residue is moderately conserved and there is a moderate physicochemical difference between serine and arginine.

NM_001371986.1(UNC80):c.9055A>C (p.Ser3019Arg)

Gene: UNC80 (unc-80 homolog, NALCN channel complex subunit; plus strand). Cytogenetic location: 2q34.
Variant type: single nucleotide variant.
Coding change: c.9055A>C on transcript NM_001371986.1 (MANE Select); coding-DNA position 9055, A replaced by C.
Protein change: p.Ser3019Arg; replaces serine 3019 with arginine.
Molecular consequence: missense variant.
Genome position (GRCh38, 1-based): chr2:209,978,645, A>C. VCF-style: chr2-209978645-A-C. GRCh37 (hg19) VCF-style: chr2-210843369-A-C.
Other names: c.8857A>C, p.Ser2953Arg (NM_032504.2); c.8842A>C, p.Ser2948Arg (NM_182587.4); c.8857A>C (NM_032504.1); short protein forms S3019R, S2948R, S2953R.
Identifiers: ClinVar variation 1401409 (VCV001401409.7), dbSNP rs2125019292, ClinGen allele CA350414622.